The following is an entry in ClinVar:

ClinVar aggregate classification (germline): Likely benign. Review status: criteria provided, multiple submitters, no conflicts (2 of 4 stars). 2 submissions from 2 submitters: Likely benign (2). Last evaluated 2024-05-18.

Conditions:
Diffuse cerebral and cerebellar atrophy - intractable seizures - progressive microcephaly syndrome. Also called: Microcephaly, progressive, with seizures and cerebral and cerebellar atrophy. Identifiers: Orphanet 404437, MedGen C4014239, MONDO:0014335, OMIM 615760.

Allele frequency attached by ClinVar (database versions not stated): gnomAD exomes below 0.00001; gnomAD 0.00001; TOPMed 0.00001.
gnomAD v4.1: 8 of 1,602,144 alleles (0.0005%); highest among the groups gnomAD compares: Admixed American, 0.0034%; no homozygotes.

Submissions (2):

Labcorp Genetics (formerly Invitae), Labcorp
Classification: Likely benign for Diffuse cerebral and cerebellar atrophy - intractable seizures - progressive microcephaly syndrome. Last evaluated: 2024-05-18. Review status: criteria provided, single submitter. Criteria: Invitae Variant Classification Sherloc (09022015). Collection method: clinical testing. Allele origin: germline.

GeneDx
Classification: Likely benign. Last evaluated: 2016-09-21. Review status: criteria provided, single submitter. Criteria: GeneDx Variant Classification (06012015). Collection method: clinical testing. Allele origin: germline. Affected: yes.
Comment: This variant is considered likely benign or benign based on one or more of the following criteria: it is a conservative change, it occurs at a poorly conserved position in the protein, it is predicted to be benign by multiple in silico algorithms, and/or has population frequency not consistent with disease.

NM_005051.3(QARS1):c.266-17G>A

Gene: QARS1 (glutaminyl-tRNA synthetase 1; minus strand). Cytogenetic location: 3p21.31.
Variant type: single nucleotide variant.
Coding change: c.266-17G>A on transcript NM_005051.3 (MANE Select); 17 bases into the intron before coding-DNA position 266, G replaced by A.
Molecular consequence: intron variant.
Genome position (GRCh38, 1-based): chr3:49,103,989, C>T on the plus strand (G>A on the coding strand, the complement: QARS1 is on the minus strand). VCF-style: chr3-49103989-C-T. GRCh37 (hg19) VCF-style: chr3-49141422-C-T.
Other names: c.233-17G>A (NM_001272073.2).
Identifiers: ClinVar variation 389487 (VCV000389487.9), dbSNP rs1057523447, ClinGen allele CA16604977.